The following is an entry in ClinVar:

ClinVar aggregate classification (germline): Benign/Likely benign. Review status: criteria provided, multiple submitters, no conflicts (2 of 4 stars). 7 submissions from 7 submitters: Benign (4); Likely benign (2). 1 of the submissions does not count toward it. Last evaluated 2026-01-31.

Conditions:
GFI1-related disorder. Also called: GFI1-related condition.
Neutropenia, severe congenital, 2, autosomal dominant. Identifiers: Orphanet 486, MedGen C2751288, MONDO:0013139, OMIM 613107.

Allele frequency attached by ClinVar (database versions not stated): gnomAD exomes 0.00118 and 0.00061; gnomAD 0.00561 and 0.00603; ESP Exome Variant Server 0.00462; TOPMed 0.00716; 1000 Genomes Project 30x 0.00718; ExAC 0.00153; 1000 Genomes Project 0.00679.

Submissions (7):

Labcorp Genetics (formerly Invitae), Labcorp
Classification: Benign for Neutropenia, severe congenital, 2, autosomal dominant. Last evaluated: 2026-01-31. Review status: criteria provided, single submitter. Criteria: Invitae Variant Classification Sherloc (09022015). Collection method: clinical testing. Allele origin: germline.

Women's Health and Genetics/Laboratory Corporation of America, LabCorp
Classification: Likely benign. Last evaluated: 2026-01-22. Review status: criteria provided, single submitter. Criteria: LabCorp Variant Classification Summary - May 2015. Collection method: clinical testing. Allele origin: germline.

Mayo Clinic Laboratories, Mayo Clinic
Classification: Benign. Last evaluated: 2024-11-25. Review status: criteria provided, single submitter. Criteria: ACMG Guidelines, 2015. Collection method: clinical testing. Allele origin: germline. Observed: 5 variant alleles.
Comment: BS1, BS2

ARUP Laboratories, Molecular Genetics and Genomics, ARUP Laboratories
Classification: Benign. Last evaluated: 2024-07-30. Review status: criteria provided, single submitter. Criteria: ARUP Molecular Germline Variant Investigation Process 2024. Collection method: clinical testing. Allele origin: germline.

Genetic Services Laboratory, University of Chicago
Classification: Benign. Last evaluated: 2017-12-11. Review status: criteria provided, single submitter. Criteria: ACMG Guidelines, 2015. Collection method: clinical testing. Allele origin: germline. Affected: no.

Breakthrough Genomics
Classification: Likely benign. Review status: criteria provided, single submitter. Criteria: ACMG Guidelines, 2015. Collection method: not provided. Allele origin: germline. Inheritance: Autosomal dominant inheritance. Affected: yes.

PreventionGenetics, part of Exact Sciences
Classification: Benign for GFI1-related condition. Last evaluated: 2023-06-13. Review status: no assertion criteria provided. Collection method: clinical testing. Allele origin: germline. Not counted in ClinVar's aggregate classification.
Comment: This variant is classified as benign based on ACMG/AMP sequence variant interpretation guidelines (Richards et al. 2015 PMID: 25741868, with internal and published modifications).

NM_005263.5(GFI1):c.718G>C (p.Glu240Gln)

Gene: GFI1 (growth factor independent 1 transcriptional repressor; minus strand). Cytogenetic location: 1p22.1.
Variant type: single nucleotide variant.
Coding change: c.718G>C on transcript NM_005263.5 (MANE Select); coding-DNA position 718, G replaced by C.
Protein change: p.Glu240Gln; replaces glutamic acid 240 with glutamine.
Molecular consequence: missense variant.
Genome position (GRCh38, 1-based): chr1:92,480,669, C>G on the plus strand (G>C on the coding strand, the complement: GFI1 is on the minus strand). VCF-style: chr1-92480669-C-G. GRCh37 (hg19) VCF-style: chr1-92946226-C-G.
Other names: p.Glu240Gln; c.718G>C, p.Glu240Gln (NM_001127215.3, NM_001127216.3); short protein forms E240Q.
Identifiers: ClinVar variation 259705 (VCV000259705.24), dbSNP rs6666973, ClinGen allele CA951333.
Genomic context (GRCh38, chr1:92,480,669, plus strand): 5'-ACTTGATGCACTTGTAGGAGCCGCCGCCCAGCAGCAGGCGGGTGCACAGCAGCTCCGACT[C>G]CACCTTGACGCCAGCGCCCTTGTCTGCGTGCAGCCCGTGGCCACGCTCGGGGTACAGCAA-3'
Protein context (NP_005254.2, residues 230-250): HADKGAGVKV[Glu240Gln]SELLCTRLLL